The following is an entry in ClinVar:

ClinVar aggregate classification (germline): Uncertain significance (1 of 4 stars; one submission).

Conditions:
Hereditary sensory neuropathy-deafness-dementia syndrome. Also called: HSN IE; NEUROPATHY, HEREDITARY SENSORY, WITH HEARING LOSS AND DEMENTIA; Hereditary Sensory and Autonomic Neuropathy Type 1E (HSAN1E); Hereditary sensory neuropathy type IE. Identifiers: Orphanet 456318, MedGen C3279885, MONDO:0013584, OMIM 614116.

Submission:

Labcorp Genetics (formerly Invitae), Labcorp
Classification: Uncertain significance for Hereditary sensory neuropathy-deafness-dementia syndrome. Last evaluated: 2022-08-10. Review status: criteria provided, single submitter. Criteria: Invitae Variant Classification Sherloc (09022015). Collection method: clinical testing. Allele origin: germline.
Comment: In summary, the available evidence is currently insufficient to determine the role of this variant in disease. Therefore, it has been classified as a Variant of Uncertain Significance. Algorithms developed to predict the effect of missense changes on protein structure and function are either unavailable or do not agree on the potential impact of this missense change (SIFT: "Deleterious"; PolyPhen-2: "Possibly Damaging"; Align-GVGD: "Class C0"). This variant has not been reported in the literature in individuals affected with DNMT1-related conditions. This variant is not present in population databases (gnomAD no frequency). This sequence change replaces serine, which is neutral and polar, with cysteine, which is neutral and slightly polar, at codon 1222 of the DNMT1 protein (p.Ser1222Cys).

NM_001130823.3(DNMT1):c.3665C>G (p.Ser1222Cys)

Gene: DNMT1 (DNA methyltransferase 1; minus strand). Cytogenetic location: 19p13.2.
Variant type: single nucleotide variant.
Coding change: c.3665C>G on transcript NM_001130823.3 (MANE Select); coding-DNA position 3665, C replaced by G.
Protein change: p.Ser1222Cys; replaces serine 1222 with cysteine.
Molecular consequence: missense variant.
Genome position (GRCh38, 1-based): chr19:10,140,187, G>C on the plus strand (C>G on the coding strand, the complement: DNMT1 is on the minus strand). VCF-style: chr19-10140187-G-C. GRCh37 (hg19) VCF-style: chr19-10250863-G-C.
Other names: c.3617C>G, p.Ser1206Cys (NM_001318730.2, NM_001379.4); c.3302C>G, p.Ser1101Cys (NM_001318731.2); short protein forms S1206C, S1101C, S1222C.
Identifiers: ClinVar variation 1993955 (VCV001993955.4), dbSNP rs2513779588, ClinGen allele CA403972983.